The following is an entry in ClinVar:

NM_000519.4(HBD):c.82G>T (p.Ala28Ser)

Genes: HBD (hemoglobin subunit delta; minus strand), LOC106099063 (HBD recombination region; plus strand). Cytogenetic location: 11p15.4.
Variant type: single nucleotide variant.
Coding change: c.82G>T on transcript NM_000519.4 (MANE Select); coding-DNA position 82, G replaced by T.
Protein change: p.Ala28Ser; replaces alanine 28 with serine.
Molecular consequence: missense variant.
Genome position (GRCh38, 1-based): chr11:5,234,352, C>A on the plus strand (G>T on the coding strand, the complement: HBD is on the minus strand). VCF-style: chr11-5234352-C-A. GRCh37 (hg19) VCF-style: chr11-5255582-C-A.
Other names: A27S; HBD:c.82G>T; p.(Ala28Ser); short protein forms A28S.
Identifiers: ClinVar variation 15070 (VCV000015070.20), dbSNP rs35152987, ClinGen allele CA124682.
Genomic context (GRCh38, chr11:5,234,352, plus strand): 5'-CCCAGTTTCCATTTGCCTCCTTGAGCCTCTCTTATAACCTTGATACCAACCTGCCCAGGG[C>A]CTCACCACCAACTGCATCCACGTTCACTTTGCCCCACAGGGCATTGACAGCAGTCTTCTC-3'
Protein context (NP_000510.1, residues 18-38): KVNVDAVGGE[Ala28Ser]LGRLLVVYPW

ClinVar aggregate classification (germline): Conflicting classifications of pathogenicity. Review status: criteria provided, conflicting classifications (1 of 4 stars). 11 submissions from 10 submitters: Pathogenic (4); Likely pathogenic (2); Uncertain significance (1); Likely benign (1). 3 of the submissions do not count toward it. Last evaluated 2025-12-24.

Conditions:
Fetal hemoglobin quantitative trait locus 1 (HBFQTL1). Identifiers: Orphanet 251380, MedGen C1841621.
HEMOGLOBIN A(2) YIALOUSA.
delta Thalassemia. Identifiers: MedGen C0271990.
Thalassemia. Identifiers: MedGen C0039730, MONDO:0000984.
Glucocorticoid-remediable aldosteronism. Also called: Hyperaldosteronism, familial, type I; ACTH-DEPENDENT HYPERALDOSTERONISM SYNDROME; ALDOSTERONISM, SENSITIVE TO DEXAMETHASONE; FH I; GLUCOCORTICOID-SUPPRESSIBLE HYPERALDOSTERONISM. Identifiers: Orphanet 403, MedGen C3838731, MONDO:0007080, OMIM 103900.

Allele frequency attached by ClinVar (database versions not stated): 1000 Genomes Project 0.00100; ExAC 0.00223; 1000 Genomes Project 30x 0.00109; gnomAD 0.00158; TOPMed 0.00161; gnomAD exomes 0.00216.
gnomAD v4.1: 3,024 of 1,613,812 alleles (0.19%); highest among the groups gnomAD compares: Middle Eastern, 0.64%; 17 homozygotes.

Submissions (11):

GeneDx
Classification: Pathogenic. Last evaluated: 2025-12-24. Review status: criteria provided, single submitter. Criteria: GeneDx Variant Classification Process June 2021. Collection method: clinical testing. Allele origin: germline. Affected: yes.
Comment: Commonly referred to as the Hb A2-Yialousa variant and has been reported numerous times in the literature and is the most common variant identified in the HBD gene in individuals from the Mediterranean area (PMID: 26754299, 23797957, 23215833, 1742490, 3401592); Published functional studies demonstrate that this variant may affect RNA splicing by strengthening an upstream cryptic splice donor site (PMID: 8900178); In silico analysis supports a deleterious effect on splicing; In silico analysis suggests that this missense variant does not alter protein structure/function; This variant is associated with the following publications: (PMID: 12402333, 3401592, 1742490, 9054695, 23215833, 1398286, 25333069, 27884173, 20854114, 26754299, 27461962, 23797957, 30487145, 31980526, 34426522, 31688628, 31589614, 33178177, 10975439, 35930292, 37605839, 8900178)

Revvity Omics, Revvity
Classification: Pathogenic. Last evaluated: 2025-07-09. Review status: criteria provided, single submitter. Criteria: ACMG Guidelines, 2015. Collection method: clinical testing. Allele origin: germline.

Dasa
Classification: Pathogenic. Last evaluated: 2025-07-07. Review status: criteria provided, single submitter. Criteria: DASA Assertion Criteria. Collection method: clinical testing. Allele origin: germline.
Comment: NM_000519.4(HBD):c.82G>T (p.Ala28Ser) is a missense variant that results in the substitution of alanine with serine. Functional evidence supports a deleterious effect on the gene or gene product (PMID: 8900178; PMID: 1742490; PMID: 17916081; PMID: 12402333). This variant has been recurrently observed in individuals with related phenotype (PMID: 8900178; PMID: 1742490; PMID: 17916081; PMID: 12402333). Multiple computational predictions support a deleterious effect on the gene or gene product. The variant is present at low frequency in population datasets. Based on the available data, this variant is classified as pathogenic.

Genomic Medicine Center of Excellence, King Faisal Specialist Hospital and Research Centre
Classification: Likely pathogenic for Glucocorticoid-remediable aldosteronism. Last evaluated: 2024-03-17. Review status: criteria provided, single submitter. Criteria: ACMG Guidelines, 2015. Collection method: research. Allele origin: germline.

Department of Pediatrics, Duzce University
Classification: Likely pathogenic for delta Thalassemia. Last evaluated: 2024-02-12. Review status: criteria provided, single submitter. Criteria: ACMG Guidelines, 2015. Collection method: research. Allele origin: germline. Inheritance: Autosomal dominant inheritance. Affected: no.
Comment: Delta-globin variant p.(Ala28Ser), known as Hb A2-Yialousa, a recognised and recurrent cause of delta-thalassemia trait. Published functional data indicate an effect on splicing through strengthening of an upstream cryptic splice-donor site (Trifillis et al., Blood 1991, PMID 1742490) (PS3_supporting), and it is among the most frequently observed HBD variants in thalassemia cohorts (PMID 26754299) (PS4_supporting). Rare in population databases (PM2_supporting). Applied ACMG/AMP criteria: PS3_supporting, PS4_supporting, PM2_supporting. Classification: Likely pathogenic for delta-thalassemia.

Department of Pathology and Laboratory Medicine, Sinai Health System
Classification: Uncertain significance for Thalassemia. Last evaluated: 2023-07-12. Review status: criteria provided, single submitter. Criteria: ACMG Guidelines, 2015. Collection method: research. Allele origin: germline.

Mayo Clinic Laboratories, Mayo Clinic
Classification: Pathogenic. Last evaluated: 2022-06-24. Review status: criteria provided, single submitter. Criteria: ACMG Guidelines, 2015. Collection method: clinical testing. Allele origin: germline. Observed: 5 variant alleles.

Illumina Laboratory Services, Illumina
Classification: Likely benign for Fetal hemoglobin quantitative trait locus 1. Last evaluated: 2017-04-27. Review status: criteria provided, single submitter. Criteria: ICSL Variant Classification Criteria 13 December 2019. Collection method: clinical testing. Allele origin: germline.
Comment: This variant was observed as part of a predisposition screen in an ostensibly healthy population. A literature search was performed for the gene, cDNA change, and amino acid change (where applicable). Publications were found based on this search. The evidence from the literature, in combination with allele frequency data from public databases where available, was sufficient to determine this variant is unlikely to cause disease. Therefore, this variant is classified as likely benign.

Reproductive Health Research and Development, BGI Genomics
Classification: Pathogenic for delta Thalassemia. Last evaluated: 2020-01-06. Review status: no assertion criteria provided. Collection method: curation. Allele origin: germline. Not counted in ClinVar's aggregate classification.
Comment: NM_000519.3:c.82G>T in the HBD gene has an allele frequency of 0.008 in Ashkenazi Jewish subpopulation in the gnomAD database. The HBD c.82G>T (p.Ala28Ser) was the most common variant found in the HBD gene in a Iran cohort with thalassemia (PMID: 26754299). In addition, De Angioletti et al. also reported that the Hb A2-Yialousa (g.82G>T) was the most prevalent (42/63 families). Functional studies indicate that A28S may affect RNA splicing by strengthening an upstream cryptic splice donor site (PMID: 1742490). Taken together, we interprete this variant as Pathogenic/Likely pathogenic. ACMG/AMP Criteria applied: PS4; PP4; PS3.

OMIM
Classification: other for HEMOGLOBIN A(2) YIALOUSA. Last evaluated: 2017-12-12. Review status: no assertion criteria provided. Collection method: literature only. Allele origin: germline. Not counted in ClinVar's aggregate classification.

OMIM
Classification: Pathogenic for DELTA-THALASSEMIA. Last evaluated: 2002-11-01. Review status: no assertion criteria provided. Collection method: literature only. Allele origin: germline. Not counted in ClinVar's aggregate classification.

Literature cited by the submitters: PubMed 8900178 (cited by Dasa); PubMed 1742490 (cited by Dasa and OMIM); PubMed 17916081 (cited by Dasa); PubMed 12402333 (cited by Dasa and OMIM); PubMed 3401592 (cited by Illumina Laboratory Services, Illumina and OMIM); PubMed 16434382 (cited by Illumina Laboratory Services, Illumina); PubMed 1398286 (cited by OMIM).